The following is an entry in ClinVar:

ClinVar aggregate classification (germline): Uncertain significance. Review status: criteria provided, multiple submitters, no conflicts (2 of 4 stars). 3 submissions from 3 submitters: Uncertain significance (3). Last evaluated 2023-06-27.

Conditions:
Inborn genetic diseases. Identifiers: MedGen C0950123, MeSH D030342.

Allele frequency attached by ClinVar (database versions not stated): gnomAD exomes 0.00001; TOPMed 0.00001; ESP Exome Variant Server 0.00008.
gnomAD v4.1: 3 of 1,611,674 alleles (0.00019%); highest among the groups gnomAD compares: Non-Finnish European, 0.00025%; no homozygotes.

Submissions (3):

Labcorp Genetics (formerly Invitae), Labcorp
Classification: Uncertain significance. Last evaluated: 2023-06-27. Review status: criteria provided, single submitter. Criteria: Invitae Variant Classification Sherloc (09022015). Collection method: clinical testing. Allele origin: germline.
Comment: In summary, the available evidence is currently insufficient to determine the role of this variant in disease. Therefore, it has been classified as a Variant of Uncertain Significance. An algorithm developed to predict the effect of missense changes on protein structure and function (PolyPhen-2) suggests that this variant is likely to be disruptive. ClinVar contains an entry for this variant (Variation ID: 1006613). This variant has not been reported in the literature in individuals affected with ZNF408-related conditions. This variant is not present in population databases (gnomAD no frequency). This sequence change replaces proline, which is neutral and non-polar, with serine, which is neutral and polar, at codon 495 of the ZNF408 protein (p.Pro495Ser).

Ambry Genetics
Classification: Uncertain significance for Inborn genetic diseases. Last evaluated: 2023-05-03. Review status: criteria provided, single submitter. Criteria: Ambry Variant Classification Scheme 2023. Collection method: clinical testing. Allele origin: germline.

Blueprint Genetics
Classification: Uncertain significance. Last evaluated: 2019-04-28. Review status: criteria provided, single submitter. Criteria: ACMG Guidelines, 2015. Collection method: clinical testing. Allele origin: germline.

NM_024741.3(ZNF408):c.1483C>T (p.Pro495Ser)

Gene: ZNF408 (zinc finger protein 408; plus strand). Cytogenetic location: 11p11.2.
Variant type: single nucleotide variant.
Coding change: c.1483C>T on transcript NM_024741.3 (MANE Select); coding-DNA position 1483, C replaced by T.
Protein change: p.Pro495Ser; replaces proline 495 with serine.
Molecular consequence: missense variant.
Genome position (GRCh38, 1-based): chr11:46,705,183, C>T. VCF-style: chr11-46705183-C-T. GRCh37 (hg19) VCF-style: chr11-46726733-C-T.
Other names: c.1483C>T (NM_024741.2); c.1459C>T, p.Pro487Ser (NM_001184751.2); short protein forms P487S, P495S.
Identifiers: ClinVar variation 1006613 (VCV001006613.11), dbSNP rs140853348, ClinGen allele CA221633901.